The following is an entry in ClinVar:

ClinVar aggregate classification (germline): Uncertain significance (1 of 4 stars; one submission).

Conditions:
Hereditary sensory and autonomic neuropathy type 7. Also called: Neuropathy, hereditary sensory and autonomic, type VII; HSAN VII. Identifiers: Orphanet 391397, MedGen C3809882, MONDO:0014244, OMIM 615548.
Familial episodic pain syndrome with predominantly lower limb involvement. Also called: Episodic pain syndrome, familial, 3. Identifiers: Orphanet 391384, Orphanet 391392, MedGen C3809899, MONDO:0014247, OMIM 615552.

gnomAD v4.1: 9 of 1,614,146 alleles (0.00056%); highest among the groups gnomAD compares: Non-Finnish European, 0.00076%; no homozygotes.

Submission:

Labcorp Genetics (formerly Invitae), Labcorp
Classification: Uncertain significance for Familial episodic pain syndrome with predominantly lower limb involvement; Hereditary sensory and autonomic neuropathy type 7. Last evaluated: 2024-12-24. Review status: criteria provided, single submitter. Criteria: Invitae Variant Classification Sherloc (09022015). Collection method: clinical testing. Allele origin: germline.
Comment: This sequence change replaces asparagine, which is neutral and polar, with histidine, which is basic and polar, at codon 1608 of the SCN11A protein (p.Asn1608His). This variant is present in population databases (no rsID available, gnomAD 0.0009%). This variant has not been reported in the literature in individuals affected with SCN11A-related conditions. Invitae Evidence Modeling of protein sequence and biophysical properties (such as structural, functional, and spatial information, amino acid conservation, physicochemical variation, residue mobility, and thermodynamic stability) indicates that this missense variant is expected to disrupt SCN11A protein function with a positive predictive value of 80%. In summary, the available evidence is currently insufficient to determine the role of this variant in disease. Therefore, it has been classified as a Variant of Uncertain Significance.

NM_001349253.2(SCN11A):c.4822A>C (p.Asn1608His)

Gene: SCN11A (sodium voltage-gated channel alpha subunit 11; minus strand). Cytogenetic location: 3p22.2.
Variant type: single nucleotide variant.
Coding change: c.4822A>C on transcript NM_001349253.2 (MANE Select); coding-DNA position 4822, A replaced by C.
Protein change: p.Asn1608His; replaces asparagine 1608 with histidine.
Molecular consequence: missense variant.
Genome position (GRCh38, 1-based): chr3:38,847,248, T>G on the plus strand (A>C on the coding strand, the complement: SCN11A is on the minus strand). VCF-style: chr3-38847248-T-G. GRCh37 (hg19) VCF-style: chr3-38888739-T-G.
Other names: c.4822A>C, p.Asn1608His (NM_014139.3); short protein forms N1608H.
Identifiers: ClinVar variation 3763977 (VCV003763977.2).
Genomic context (GRCh38, chr3:38,847,248, plus strand): 5'-CATAAAATATGTCAAAGTCATCTTCACCCAAAGGGTCCTCACTTTCTTCAGTGGCTGTAT[T>G]GAAGTTCTCTAAAATCACAGCAATGTACATGTTGACAACAATGAGAAAGGAGATGATAAT-3'
Protein context (NP_001336182.1, residues 1598-1618): MYIAVILENF[Asn1608His]TATEESEDPL